The following is an entry in ClinVar:

NM_005476.7(GNE):c.304C>T (p.Leu102=)

Gene: GNE (glucosamine (UDP-N-acetyl)-2-epimerase/N-acetylmannosamine kinase; minus strand). Cytogenetic location: 9p13.3.
Variant type: single nucleotide variant.
Coding change: c.304C>T on transcript NM_005476.7 (MANE Select); coding-DNA position 304, C replaced by T.
Protein change: p.Leu102=; no amino-acid change (leucine 102 retained).
Molecular consequence: synonymous variant.
Genome position (GRCh38, 1-based): chr9:36,246,343, G>A on the plus strand (C>T on the coding strand, the complement: GNE is on the minus strand). VCF-style: chr9-36246343-G-A. GRCh37 (hg19) VCF-style: chr9-36246340-G-A.
Other names: c.397C>T, p.Leu133= (NM_001128227.3); c.304C>T, p.Leu102= (NM_001190383.3, NM_001374797.1); c.127C>T, p.Leu43= (NM_001190384.3, NM_001190388.2, NM_001374798.1).
Identifiers: ClinVar variation 3778351 (VCV003778351.7).
Genomic context (GRCh38, chr9:36,246,343, plus strand): 5'-ATGTGGCCAGAGCCAGGGCATCAAACCTGTCTCCATGAACAATCATGATATCAGGCTTCA[G>A]GCGATTAAGGACATCTGGCAGCTTCACTAGGGCCAGGCCTACTGACTCCACCATGGCTGC-3'
Protein context (NP_005467.1, residues 92-112): LVKLPDVLNR[Leu102=]KPDIMIVHGD

ClinVar aggregate classification (germline): Likely benign (1 of 4 stars; one submission).

Submission:

CeGaT Center for Human Genetics Tuebingen
Classification: Likely benign. Last evaluated: 2025-03-01. Review status: criteria provided, single submitter. Criteria: CeGaT Center For Human Genetics Tuebingen Variant Classification Criteria Version 2. Collection method: clinical testing. Allele origin: germline. Affected: yes. Observed: 1 variant allele.
Comment: GNE: BP4, BP7